The following is an entry in ClinVar:

ClinVar aggregate classification (germline): Pathogenic (1 of 4 stars; one submission).

Conditions:
Fanconi anemia (FA). Also called: Fanconi's anemia. Identifiers: Orphanet 84, MedGen C0015625, MeSH D005199, MONDO:0019391.

Submission:

Labcorp Genetics (formerly Invitae), Labcorp
Classification: Pathogenic for Fanconi anemia. Last evaluated: 2021-01-28. Review status: criteria provided, single submitter. Criteria: Invitae Variant Classification Sherloc (09022015). Collection method: clinical testing. Allele origin: germline.
Comment: For these reasons, this variant has been classified as Pathogenic. Loss-of-function variants in FANCC are known to be pathogenic (PMID: 17924555). Algorithms developed to predict the effect of sequence changes on RNA splicing suggest that this variant may create or strengthen a splice site, but this prediction has not been confirmed by published transcriptional studies. This variant has not been reported in the literature in individuals with FANCC-related conditions. This variant is not present in population databases (ExAC no frequency). This sequence change creates a premature translational stop signal (p.Lys47*) in the FANCC gene. It is expected to result in an absent or disrupted protein product.

Literature cited by the submitters: PubMed 17924555.

NM_000136.3(FANCC):c.139A>T (p.Lys47Ter)

Gene: FANCC (FA complementation group C; minus strand). Cytogenetic location: 9q22.32.
Variant type: single nucleotide variant.
Coding change: c.139A>T on transcript NM_000136.3 (MANE Select); coding-DNA position 139, A replaced by T.
Protein change: p.Lys47Ter; replaces lysine 47 with a stop codon.
Molecular consequence: nonsense.
Genome position (GRCh38, 1-based): chr9:95,249,153, T>A on the plus strand (A>T on the coding strand, the complement: FANCC is on the minus strand). VCF-style: chr9-95249153-T-A. GRCh37 (hg19) VCF-style: chr9-98011435-T-A.
Other names: c.139A>T, p.Lys47Ter (NM_001243743.2, NM_001243744.2); short protein forms K47*.
Identifiers: ClinVar variation 857816 (VCV000857816.7), dbSNP rs1831172189, ClinGen allele CA374340247.